The following is an entry in ClinVar:

NM_000051.4(ATM):c.6403_6404del (p.Leu2135fs)

Genes: ATM (ATM serine/threonine kinase; plus strand), C11orf65 (chromosome 11 open reading frame 65; minus strand). Cytogenetic location: 11q22.3.
Variant type: Microsatellite.
Coding change: c.6403_6404del on transcript NM_000051.4 (MANE Select); coding-DNA positions 6403 to 6404, 2 bases deleted (CT; older notation c.6403_6404delCT).
Protein change: p.Leu2135fs; shifts the reading frame from leucine 2135.
Molecular consequence: frameshift variant. On other transcripts: intron variant (2).
Genome position (GRCh38, 1-based): chr11:108,320,009-108,320,010, CT deleted; deleting any 2 consecutive bases within chr11:108,320,006-108,320,010 gives the same sequence; the c. name uses the placement nearest the transcript's 3' end. VCF-style (leftmost placement, unchanged base first): chr11-108320005-ATC-A. GRCh37 (hg19) VCF-style: chr11-108190732-ATC-A.
Other names: c.6403_6404del, p.Leu2135fs (NM_001351834.2); c.641-10936_641-10935del (NM_001330368.2); c.*39-10936_*39-10935del (NM_001351110.2); c.6403_6404delCT (NM_000051.3); c.6403_6404del (NM_000051.3); short protein forms L2135fs.
Identifiers: ClinVar variation 846024 (VCV000846024.13), dbSNP rs2085083193, ClinGen allele CA913188403.

ClinVar aggregate classification (germline): Pathogenic. Review status: criteria provided, multiple submitters, no conflicts (2 of 4 stars). 3 submissions from 3 submitters: Pathogenic (3). Last evaluated 2026-01-28.

Conditions:
Hereditary cancer-predisposing syndrome. Also called: Tumor predisposition; Neoplastic Syndromes, Hereditary; Hereditary Cancer Syndrome; Hereditary neoplastic syndrome. Identifiers: Orphanet 140162, MedGen C0027672, MeSH D009386, MONDO:0015356.
Ataxia-telangiectasia syndrome (AT). Also called: ATAXIA-TELANGIECTASIA, COMPLEMENTATION GROUP A; ATAXIA-TELANGIECTASIA, FRESNO VARIANT; Ataxia-telangiectasia; Ataxia-telangiectasia, complementation group D; AT, COMPLEMENTATION GROUP C; Ataxia-telangiectasia, complementation group E. Identifiers: Orphanet 100, MedGen C0004135, MONDO:0008840, OMIM 208900.

Submissions (3):

Ambry Genetics
Classification: Pathogenic for Hereditary cancer-predisposing syndrome. Last evaluated: 2026-01-28. Review status: criteria provided, single submitter. Criteria: Ambry Variant Classification Scheme 2023. Collection method: clinical testing. Allele origin: germline.
Comment: The c.6403_6404delCT pathogenic mutation, located in coding exon 43 of the ATM gene, results from a deletion of two nucleotides at nucleotide positions 6403 to 6404, causing a translational frameshift with a predicted alternate stop codon (p.L2135Kfs*10). This variant is considered to be rare based on population cohorts in the Genome Aggregation Database (gnomAD). This alteration is expected to result in loss of function by premature protein truncation or nonsense-mediated mRNA decay. As such, this alteration is interpreted as a disease-causing mutation.

Labcorp Genetics (formerly Invitae), Labcorp
Classification: Pathogenic for Ataxia-telangiectasia syndrome. Last evaluated: 2024-07-08. Review status: criteria provided, single submitter. Criteria: Invitae Variant Classification Sherloc (09022015). Collection method: clinical testing. Allele origin: germline.
Comment: This sequence change creates a premature translational stop signal (p.Leu2135Lysfs*10) in the ATM gene. It is expected to result in an absent or disrupted protein product. Loss-of-function variants in ATM are known to be pathogenic (PMID: 23807571, 25614872). This variant is not present in population databases (gnomAD no frequency). This variant has not been reported in the literature in individuals affected with ATM-related conditions. ClinVar contains an entry for this variant (Variation ID: 846024). For these reasons, this variant has been classified as Pathogenic.

Color Diagnostics, LLC DBA Color Health
Classification: Pathogenic for Hereditary cancer-predisposing syndrome. Last evaluated: 2020-01-15. Review status: criteria provided, single submitter. Criteria: ACMG Guidelines, 2015. Collection method: clinical testing. Allele origin: germline.
Comment: This variant deletes 2 nucleotides in exon 44 of the ATM gene, creating a frameshift and premature translation stop signal. This variant is expected to result in an absent or non-functional protein product. This variant has not been identified in the general population by the Genome Aggregation Database (gnomAD). Loss of ATM function is a known mechanism of disease. Based on the available evidence, this variant is classified as Pathogenic.

Literature cited by the submitters: PubMed 23807571 (cited by Labcorp Genetics (formerly Invitae), Labcorp); PubMed 25614872 (cited by Labcorp Genetics (formerly Invitae), Labcorp).